The following is an entry in ClinVar:

NM_001130438.3(SPTAN1):c.3970C>T (p.Leu1324=)

Gene: SPTAN1 (spectrin alpha, non-erythrocytic 1; plus strand). Cytogenetic location: 9q34.11.
Variant type: single nucleotide variant.
Coding change: c.3970C>T on transcript NM_001130438.3 (MANE Select); coding-DNA position 3970, C replaced by T.
Protein change: p.Leu1324=; no amino-acid change (leucine 1324 retained).
Molecular consequence: synonymous variant.
Genome position (GRCh38, 1-based): chr9:128,605,401, C>T. VCF-style: chr9-128605401-C-T. GRCh37 (hg19) VCF-style: chr9-131367680-C-T.
Other names: p.L1324L:CTG>TTG; c.3910C>T, p.Leu1304= (NM_001195532.2, NM_001363765.2); c.3970C>T, p.Leu1324= (NM_001363759.2, NM_003127.4).
Identifiers: ClinVar variation 139288 (VCV000139288.62), dbSNP rs147233101, ClinGen allele CA293731.

ClinVar aggregate classification (germline): Benign/Likely benign. Review status: criteria provided, multiple submitters, no conflicts (2 of 4 stars). 7 submissions from 7 submitters: Benign (2); Likely benign (4). 1 of the submissions does not count toward it. Last evaluated 2025-09-16.

Conditions:
SPTAN1-related disorder. Also called: SPTAN1-related condition; SPTAN1-related disorders.
Early-infantile DEE. Also called: Early infantile epileptic encephalopathy; Early infantile epileptic encephalopathy with suppression bursts; Ohtahara syndrome. Identifiers: Orphanet 1934, MedGen C0393706, MONDO:0800491.
Inborn genetic diseases. Identifiers: MedGen C0950123, MeSH D030342.
Developmental and epileptic encephalopathy, 5 (DEE5). Identifiers: Orphanet 3451, MedGen C3150731, MONDO:0013277, OMIM 613477.

Allele frequency attached by ClinVar (database versions not stated): ESP Exome Variant Server 0.00008; gnomAD exomes 0.00011 and 0.00016; gnomAD 0.00012 and 0.00013; TOPMed 0.00015; ExAC 0.00017.
gnomAD v4.1: 185 of 1,614,180 alleles (0.011%); highest among the groups gnomAD compares: Middle Eastern, 0.082%; no homozygotes.

Submissions (7):

Labcorp Genetics (formerly Invitae), Labcorp
Classification: Likely benign for Early-infantile DEE. Last evaluated: 2025-09-16. Review status: criteria provided, single submitter. Criteria: Invitae Variant Classification Sherloc (09022015). Collection method: clinical testing. Allele origin: germline.

CeGaT Center for Human Genetics Tuebingen
Classification: Likely benign. Last evaluated: 2025-04-01. Review status: criteria provided, single submitter. Criteria: CeGaT Center For Human Genetics Tuebingen Variant Classification Criteria Version 2. Collection method: clinical testing. Allele origin: germline. Affected: yes. Observed: 3 variant alleles.
Comment: SPTAN1: BP4, BS1

Blueprint Genetics
Classification: Likely benign. Last evaluated: 2024-07-23. Review status: criteria provided, single submitter. Criteria: ACMG Guidelines, 2015. Collection method: clinical testing. Allele origin: germline.

Genome-Nilou Lab
Classification: Benign for Developmental and epileptic encephalopathy, 5. Last evaluated: 2021-07-15. Review status: criteria provided, single submitter. Criteria: ACMG Guidelines, 2015. Collection method: clinical testing. Allele origin: germline. Affected: no.

Ambry Genetics
Classification: Likely benign for Inborn genetic diseases. Last evaluated: 2018-02-21. Review status: criteria provided, single submitter. Criteria: Ambry Variant Classification Scheme 2023. Collection method: clinical testing. Allele origin: germline.

GeneDx
Classification: Benign. Last evaluated: 2013-12-27. Review status: criteria provided, single submitter. Criteria: GeneDx Variant Classification (06012015). Collection method: clinical testing. Allele origin: germline. Affected: yes.
Comment: This variant is considered likely benign or benign based on one or more of the following criteria: it is a conservative change, it occurs at a poorly conserved position in the protein, it is predicted to be benign by multiple in silico algorithms, and/or has population frequency not consistent with disease.

PreventionGenetics, part of Exact Sciences
Classification: Likely benign for SPTAN1-related condition. Last evaluated: 2024-07-29. Review status: no assertion criteria provided. Collection method: clinical testing. Allele origin: germline. Not counted in ClinVar's aggregate classification.
Comment: This variant is classified as likely benign based on ACMG/AMP sequence variant interpretation guidelines (Richards et al. 2015 PMID: 25741868, with internal and published modifications).